The following is an entry in ClinVar:

NM_007294.4(BRCA1):c.3994G>A (p.Gly1332Arg)

Genes: BRCA1 (BRCA1 DNA repair associated; minus strand), LOC126862571 (BRD4-independent group 4 enhancer GRCh37_chr17:41243136-41244335; plus strand). Cytogenetic location: 17q21.31.
Variant type: single nucleotide variant.
Coding change: c.3994G>A on transcript NM_007294.4 (MANE Select); coding-DNA position 3994, G replaced by A.
Protein change: p.Gly1332Arg; replaces glycine 1332 with arginine.
Molecular consequence: missense variant. On other transcripts: intron variant (135).
Genome position (GRCh38, 1-based): chr17:43,091,537, C>T on the plus strand (G>A on the coding strand, the complement: BRCA1 is on the minus strand). VCF-style: chr17-43091537-C-T. GRCh37 (hg19) VCF-style: chr17-41243554-C-T.
Other names: c.3781G>A, p.Gly1261Arg (NM_001407571.1, NM_001407853.1, NM_001407894.1 and 9 more transcripts); c.3994G>A, p.Gly1332Arg (NM_001407581.1, NM_001407582.1, NM_001407583.1 and 30 more transcripts); c.3991G>A, p.Gly1331Arg (NM_001407587.1, NM_001407590.1, NM_001407591.1 and 22 more transcripts); c.3985G>A, p.Gly1329Arg (NM_001407646.1, NM_001407647.1); c.3871G>A, p.Gly1291Arg (NM_001407648.1, NM_001407664.1, NM_001407665.1 and 19 more transcripts); c.3868G>A, p.Gly1290Arg (NM_001407649.1, NM_001407670.1, NM_001407671.1 and 11 more transcripts); c.3916G>A, p.Gly1306Arg (NM_001407653.1, NM_001407654.1, NM_001407655.1 and 4 more transcripts); c.3913G>A, p.Gly1305Arg (NM_001407659.1, NM_001407660.1, NM_001407661.1 and 1 more transcripts); and 41 more; short protein forms G1262R, G1329R, G1036R, G1264R, G1331R, G464R, G1164R, G1204R.
Identifiers: ClinVar variation 2015902 (VCV002015902.6), dbSNP rs2053488210, ClinGen allele CA10593974.

ClinVar aggregate classification (germline): Conflicting classifications of pathogenicity. Review status: criteria provided, conflicting classifications (1 of 4 stars). 2 submissions from 2 submitters: Uncertain significance (1); Likely benign (1). Last evaluated 2024-06-19.

Conditions:
Hereditary cancer-predisposing syndrome. Also called: Hereditary Cancer Syndrome; Neoplastic Syndromes, Hereditary; Hereditary neoplastic syndrome; Tumor predisposition. Identifiers: Orphanet 140162, MedGen C0027672, MeSH D009386, MONDO:0015356.
Hereditary breast ovarian cancer syndrome. Also called: Hereditary breast and/or ovarian cancer syndrome; Hereditary breast and ovarian cancer syndrome; BRCA1- and BRCA2-Associated Hereditary Breast and Ovarian Cancer; Breast and ovarian cancer; Hereditary breast and ovarian cancer; Hereditary breast and ovarian cancer syndrome (HBOC). Identifiers: Orphanet 145, MedGen C0677776, MeSH D061325, MONDO:0003582. Disease mechanism: loss of function.

Submissions (2):

Labcorp Genetics (formerly Invitae), Labcorp
Classification: Uncertain significance for Hereditary breast ovarian cancer syndrome. Last evaluated: 2024-06-19. Review status: criteria provided, single submitter. Criteria: Invitae Variant Classification Sherloc (09022015). Collection method: clinical testing. Allele origin: germline.
Comment: This sequence change replaces glycine, which is neutral and non-polar, with arginine, which is basic and polar, at codon 1332 of the BRCA1 protein (p.Gly1332Arg). This variant is not present in population databases (gnomAD no frequency). This variant has not been reported in the literature in individuals affected with BRCA1-related conditions. ClinVar contains an entry for this variant (Variation ID: 2015902). Advanced modeling of protein sequence and biophysical properties (such as structural, functional, and spatial information, amino acid conservation, physicochemical variation, residue mobility, and thermodynamic stability) performed at Invitae indicates that this missense variant is not expected to disrupt BRCA1 protein function with a negative predictive value of 95%. In summary, the available evidence is currently insufficient to determine the role of this variant in disease. Therefore, it has been classified as a Variant of Uncertain Significance.

University of Washington Department of Laboratory Medicine, University of Washington
Classification: Likely benign for Hereditary cancer-predisposing syndrome. Last evaluated: 2023-03-23. Review status: criteria provided, single submitter. Criteria: Dines et al. (Genet Med. 2020). Collection method: curation. Allele origin: germline.
Comment: Missense variant in a coldspot region where missense variants are very unlikely to be pathogenic (PMID:31911673).

BRCA1 coldspot (exon 11 using historical exon numbering). Reclassification based on statistical prior probability